The following is an entry in ClinVar:

NM_003803.4(MYOM1):c.1978C>T (p.Pro660Ser)

Gene: MYOM1 (myomesin 1; minus strand). Cytogenetic location: 18p11.31.
Variant type: single nucleotide variant.
Coding change: c.1978C>T on transcript NM_003803.4 (MANE Select); coding-DNA position 1978, C replaced by T.
Protein change: p.Pro660Ser; replaces proline 660 with serine.
Molecular consequence: missense variant.
Genome position (GRCh38, 1-based): chr18:3,141,986, G>A on the plus strand (C>T on the coding strand, the complement: MYOM1 is on the minus strand). VCF-style: chr18-3141986-G-A. GRCh37 (hg19) VCF-style: chr18-3141984-G-A.
Other names: c.1978C>T, p.Pro660Ser (NM_019856.2); short protein forms P660S.
Identifiers: ClinVar variation 1383948 (VCV001383948.6), dbSNP rs201104206, ClinGen allele CA8874783.

ClinVar aggregate classification (germline): Uncertain significance (1 of 4 stars; one submission).

Conditions:
Hypertrophic cardiomyopathy. Also called: HYPERTROPHIC MYOCARDIOPATHY. Identifiers: Orphanet 217569, MedGen C0007194, MeSH D002312, MONDO:0005045, HP:0001639.

gnomAD v4.1: 74 of 1,613,530 alleles (0.0046%); highest among the groups gnomAD compares: Non-Finnish European, 0.0052%; no homozygotes.

Submission:

Labcorp Genetics (formerly Invitae), Labcorp
Classification: Uncertain significance for Hypertrophic cardiomyopathy. Last evaluated: 2024-04-29. Review status: criteria provided, single submitter. Criteria: Invitae Variant Classification Sherloc (09022015). Collection method: clinical testing. Allele origin: germline.
Comment: This sequence change replaces proline, which is neutral and non-polar, with serine, which is neutral and polar, at codon 660 of the MYOM1 protein (p.Pro660Ser). This variant is present in population databases (rs201104206, gnomAD 0.006%). This variant has not been reported in the literature in individuals affected with MYOM1-related conditions. ClinVar contains an entry for this variant (Variation ID: 1383948). Advanced modeling of protein sequence and biophysical properties (such as structural, functional, and spatial information, amino acid conservation, physicochemical variation, residue mobility, and thermodynamic stability) has been performed at Invitae for this missense variant, however the output from this modeling did not meet the statistical confidence thresholds required to predict the impact of this variant on MYOM1 protein function. In summary, the available evidence is currently insufficient to determine the role of this variant in disease. Therefore, it has been classified as a Variant of Uncertain Significance.